The following is an entry in ClinVar:

ClinVar aggregate classification (germline): Uncertain significance (1 of 4 stars; one submission).

Submission:

Labcorp Genetics (formerly Invitae), Labcorp
Classification: Uncertain significance. Last evaluated: 2025-06-11. Review status: criteria provided, single submitter. Criteria: Invitae Variant Classification Sherloc (09022015). Collection method: clinical testing. Allele origin: germline.
Comment: This variant, c.6124_6141del, results in the deletion of 6 amino acid(s) of the DSCAML1 protein (p.Gly2042_Ala2047del), but otherwise preserves the integrity of the reading frame. The frequency data for this variant in the population databases is considered unreliable, as metrics indicate poor data quality at this position in the gnomAD database. This variant has not been reported in the literature in individuals affected with DSCAML1-related conditions. ClinVar contains an entry for this variant (Variation ID: 2154783). Experimental studies and prediction algorithms are not available or were not evaluated, and the functional significance of this variant is currently unknown. In summary, the available evidence is currently insufficient to determine the role of this variant in disease. Therefore, it has been classified as a Variant of Uncertain Significance.

NM_020693.4(DSCAML1):c.5944_5961del (p.Gly1982_Ala1987del)

Gene: DSCAML1 (DS cell adhesion molecule like 1; minus strand). Cytogenetic location: 11q23.3.
Variant type: Deletion.
Coding change: c.5944_5961del on transcript NM_020693.4 (MANE Select); coding-DNA positions 5944 to 5961, 18 bases deleted (GGCACAGCCCCCCCAGCC).
Protein change: p.Gly1982_Ala1987del.
Molecular consequence: inframe deletion.
Genome position (GRCh38, 1-based): chr11:117,428,529-117,428,546, GGCTGGGGGGGCTGTGCC deleted on the plus strand (GGCACAGCCCCCCCAGCC on the coding strand, the reverse complement: DSCAML1 is on the minus strand); deleting any 18 consecutive bases within chr11:117,428,529-117,428,560 gives the same sequence; the c. name uses the placement nearest the transcript's 3' end. VCF-style (leftmost placement, unchanged base first): chr11-117428528-GGGCTGGGGGGGCTGTGCC-G. GRCh37 (hg19) VCF-style: chr11-117299244-GGGCTGGGGGGGCTGTGCC-G.
Identifiers: ClinVar variation 2154783 (VCV002154783.4), dbSNP rs747688404, ClinGen allele CA6295908.